The following is an entry in ClinVar:

ClinVar aggregate classification (germline): Pathogenic/Likely pathogenic. Review status: criteria provided, multiple submitters, no conflicts (2 of 4 stars). 2 submissions from 2 submitters: Pathogenic (1); Likely pathogenic (1). Last evaluated 2023-12-07.

Conditions:
Hereditary cancer-predisposing syndrome. Also called: Neoplastic Syndromes, Hereditary; Tumor predisposition; Hereditary Cancer Syndrome; Hereditary neoplastic syndrome. Identifiers: Orphanet 140162, MedGen C0027672, MeSH D009386, MONDO:0015356.

Allele frequency attached by ClinVar (database versions not stated): gnomAD exomes 0.00001.
gnomAD v4.1: 13 of 1,589,196 alleles (0.00082%); highest among the groups gnomAD compares: Non-Finnish European, 0.0011%; no homozygotes.

Submissions (2):

Labcorp Genetics (formerly Invitae), Labcorp
Classification: Pathogenic for Hereditary cancer-predisposing syndrome. Last evaluated: 2023-12-07. Review status: criteria provided, single submitter. Criteria: Invitae Variant Classification Sherloc (09022015). Collection method: clinical testing. Allele origin: germline.
Comment: This sequence change affects an acceptor splice site in intron 10 of the RAD50 gene. RNA analysis indicates that disruption of this splice site induces altered splicing and may result in an absent or disrupted protein product. This variant is not present in population databases (gnomAD no frequency). This variant has not been reported in the literature in individuals affected with RAD50-related conditions. ClinVar contains an entry for this variant (Variation ID: 527365). Studies have shown that disruption of this splice site results in skipping of exon 11 and introduces a premature termination codon (Invitae). The resulting mRNA is expected to undergo nonsense-mediated decay. For these reasons, this variant has been classified as Pathogenic.

Ambry Genetics
Classification: Likely pathogenic for Hereditary cancer-predisposing syndrome. Last evaluated: 2020-02-12. Review status: criteria provided, single submitter. Criteria: Ambry Variant Classification Scheme 2023. Collection method: clinical testing. Allele origin: germline.
Comment: The c.1636-2A>G intronic variant results from an A to G substitution two nucleotides upstream from coding exon 11 in the RAD50 gene. This nucleotide position is highly conserved in available vertebrate species. Using the BDGP and ESEfinder splice site prediction tools, this alteration is predicted to abolish the native splice acceptor site; however, direct evidence is unavailable. Alterations that disrupt the canonical splice site are expected to cause aberrant splicing, resulting in an abnormal protein or a transcript that is subject to nonsense-mediated mRNA decay. As such, this alteration is classified as likely pathogenic.

NM_005732.4(RAD50):c.1636-2A>G

Gene: RAD50 (RAD50 double strand break repair protein; plus strand). Cytogenetic location: 5q31.1.
Variant type: single nucleotide variant.
Coding change: c.1636-2A>G on transcript NM_005732.4 (MANE Select); the canonical splice acceptor site of the intron before coding-DNA position 1636, A replaced by G.
Molecular consequence: splice acceptor variant.
Genome position (GRCh38, 1-based): chr5:132,591,875, A>G. VCF-style: chr5-132591875-A-G. GRCh37 (hg19) VCF-style: chr5-131927567-A-G.
Identifiers: ClinVar variation 527365 (VCV000527365.11), dbSNP rs1554098466, ClinGen allele CA360946259.